The following is an entry in ClinVar:

ClinVar aggregate classification (germline): Uncertain significance (1 of 4 stars; one submission).

Allele frequency attached by ClinVar (database versions not stated): gnomAD exomes below 0.00001 and 0.00001; TOPMed 0.00001; gnomAD 0.00002.
gnomAD v4.1: 7 of 1,201,381 alleles (0.00058%); highest among the groups gnomAD compares: Admixed American, 0.013%; no homozygotes.

Submission:

Labcorp Genetics (formerly Invitae), Labcorp
Classification: Uncertain significance. Last evaluated: 2024-09-05. Review status: criteria provided, single submitter. Criteria: Invitae Variant Classification Sherloc (09022015). Collection method: clinical testing. Allele origin: germline.
Comment: This sequence change replaces isoleucine, which is neutral and non-polar, with valine, which is neutral and non-polar, at codon 387 of the MBTPS2 protein (p.Ile387Val). This variant is present in population databases (rs202163046, gnomAD 0.007%). This variant has not been reported in the literature in individuals affected with MBTPS2-related conditions. ClinVar contains an entry for this variant (Variation ID: 1510464). Invitae Evidence Modeling of protein sequence and biophysical properties (such as structural, functional, and spatial information, amino acid conservation, physicochemical variation, residue mobility, and thermodynamic stability) indicates that this missense variant is not expected to disrupt MBTPS2 protein function with a negative predictive value of 80%. In summary, the available evidence is currently insufficient to determine the role of this variant in disease. Therefore, it has been classified as a Variant of Uncertain Significance.

NM_015884.4(MBTPS2):c.1159A>G (p.Ile387Val)

Gene: MBTPS2 (membrane bound transcription factor peptidase, site 2; plus strand). Cytogenetic location: Xp22.12.
Variant type: single nucleotide variant.
Coding change: c.1159A>G on transcript NM_015884.4 (MANE Select); coding-DNA position 1159, A replaced by G.
Protein change: p.Ile387Val; replaces isoleucine 387 with valine.
Molecular consequence: missense variant.
Genome position (GRCh38, 1-based): chrX:21,878,590, A>G. VCF-style: chrX-21878590-A-G. GRCh37 (hg19) VCF-style: chrX-21896708-A-G.
Other names: short protein forms I387V.
Identifiers: ClinVar variation 1510464 (VCV001510464.7), dbSNP rs202163046, ClinGen allele CA327504551.
Genomic context (GRCh38, chrX:21,878,590, plus strand): 5'-GCAACTCAAGTTTGCAGAACCAATAAAGACTGTAAAAAAAGCTCAAGTTCAAGTTTCTGT[A>G]TAATACCTTCTTTGGAAACTCACACTCGCTTAATAAAAGTAAAACACCCACCTCAGATTG-3'
Protein context (NP_056968.1, residues 377-397): CKKSSSSSFC[Ile387Val]IPSLETHTRL